The following is an entry in ClinVar:

ClinVar aggregate classification (germline): Uncertain significance (1 of 4 stars; one submission).

Submission:

Labcorp Genetics (formerly Invitae), Labcorp
Classification: Uncertain significance. Last evaluated: 2021-07-30. Review status: criteria provided, single submitter. Criteria: Invitae Variant Classification Sherloc (09022015). Collection method: clinical testing. Allele origin: germline.
Comment: This sequence change replaces serine with leucine at codon 2915 of the VPS13C protein (p.Ser2915Leu). The serine residue is moderately conserved and there is a large physicochemical difference between serine and leucine. In summary, the available evidence is currently insufficient to determine the role of this variant in disease. Therefore, it has been classified as a Variant of Uncertain Significance. Algorithms developed to predict the effect of missense changes on protein structure and function are either unavailable or do not agree on the potential impact of this missense change (SIFT: "Not Available"; PolyPhen-2: "Probably Damaging"; Align-GVGD: "Not Available"). This variant has not been reported in the literature in individuals affected with VPS13C-related conditions. The frequency data for this variant in the population databases is not available, as this variant may be reported as separate entries in the ExAC database.

NM_020821.3(VPS13C):c.8743_8744delinsCT (p.Ser2915Leu)

Gene: VPS13C (vacuolar protein sorting 13 homolog C; minus strand). Cytogenetic location: 15q22.2.
Variant type: Indel.
Coding change: c.8743_8744delinsCT on transcript NM_020821.3 (MANE Select); coding-DNA positions 8743 to 8744, TC replaced by CT.
Protein change: p.Ser2915Leu; replaces serine 2915 with leucine.
Molecular consequence: missense variant.
Genome position (GRCh38, 1-based): chr15:61,910,277-61,910,278, GA replaced by AG on the plus strand (TC replaced by CT on the coding strand, the reverse complement: VPS13C is on the minus strand). VCF-style: chr15-61910277-GA-AG. GRCh37 (hg19) VCF-style: chr15-62202476-GA-AG.
Other names: c.8743_8744delinsCT, p.Ser2915Leu (NM_001018088.3); c.8614_8615delinsCT, p.Ser2872Leu (NM_017684.5, NM_018080.4); short protein forms S2915L, S2872L.
Identifiers: ClinVar variation 1522706 (VCV001522706.6), dbSNP rs2140143795, ClinGen allele CA2573151015.